The following is an entry in ClinVar:

NM_000143.4(FH):c.936T>G (p.Phe312Leu)

Gene: FH (fumarate hydratase; minus strand). Cytogenetic location: 1q43.
Variant type: single nucleotide variant.
Coding change: c.936T>G on transcript NM_000143.4 (MANE Select); coding-DNA position 936, T replaced by G.
Protein change: p.Phe312Leu; replaces phenylalanine 312 with leucine.
Molecular consequence: missense variant.
Genome position (GRCh38, 1-based): chr1:241,504,214, A>C on the plus strand (T>G on the coding strand, the complement: FH is on the minus strand). VCF-style: chr1-241504214-A-C. GRCh37 (hg19) VCF-style: chr1-241667514-A-C.
Other names: short protein forms F312L.
Identifiers: ClinVar variation 1691284 (VCV001691284.9), dbSNP rs2147916319, ClinGen allele CA345438374.

ClinVar aggregate classification (germline): Pathogenic/Likely pathogenic. Review status: criteria provided, multiple submitters, no conflicts (2 of 4 stars). 2 submissions from 2 submitters: Pathogenic (1); Likely pathogenic (1). Last evaluated 2024-10-29.

Conditions:
Hereditary leiomyomatosis and renal cell cancer. Also called: LEIOMYOMA, MULTIPLE CUTANEOUS; MULTIPLE CUTANEOUS AND UTERINE LEIOMYOMATA 1, WITH OR WITHOUT RENAL CELL CARCINOMA; FH tumor predisposition syndrome; Reed syndrome; Multiple cutaneous and uterine leiomyomatosis; Cutaneous leiomyomata with uterine leiomyomata. Identifiers: Orphanet 523, MedGen C1708350, MONDO:0007888, OMIM 150800, HP:0007437. Disease mechanism: loss of function.

Submissions (2):

Labcorp Genetics (formerly Invitae), Labcorp
Classification: Pathogenic. Last evaluated: 2024-10-29. Review status: criteria provided, single submitter. Criteria: Invitae Variant Classification Sherloc (09022015). Collection method: clinical testing. Allele origin: germline.
Comment: This sequence change replaces phenylalanine, which is neutral and non-polar, with leucine, which is neutral and non-polar, at codon 312 of the FH protein (p.Phe312Leu). This variant is not present in population databases (gnomAD no frequency). A different variant (c.934T>C) giving rise to the same protein effect has been determined to be pathogenic (PMID: 30741757; internal data). This suggests that this variant is also likely to be causative of disease. ClinVar contains an entry for this variant (Variation ID: 1691284). Invitae Evidence Modeling of protein sequence and biophysical properties (such as structural, functional, and spatial information, amino acid conservation, physicochemical variation, residue mobility, and thermodynamic stability) indicates that this missense variant is expected to disrupt FH protein function with a positive predictive value of 95%. This variant disrupts the p.Phe312 amino acid residue in FH. Other variant(s) that disrupt this residue have been determined to be pathogenic (PMID: 9635293, 21398687; internal data). This suggests that this residue is clinically significant, and that variants that disrupt this residue are likely to be disease-causing. For these reasons, this variant has been classified as Pathogenic.

Diagnostics Services (NGS), CSIR - Centre For Cellular And Molecular Biology
Classification: Likely pathogenic for Hereditary leiomyomatosis and renal cell cancer. Last evaluated: 2022-03-16. Review status: criteria provided, single submitter. Criteria: ACMG Guidelines, 2015. Collection method: clinical testing. Allele origin: unknown. Inheritance: Autosomal dominant inheritance. Affected: yes. Observed: 1 variant allele, 1 heterozygote.
Comment: The c.936T>G variant is not present in publicly available population databases like 1000 Genomes, Exome Variant Server (EVS), Exome Aggregation Consortium (ExAC), Genome Aggregation Database (gnomAD) and Indian Exome Database. The variant is also not present in our in-house exome database. The variant was not previously reported to Clinvar, Human Genome Mutation Database (HGMD) and/or OMIM databases, in any affected individuals. In-silico pathogenicity prediction programs like SIFT, PolyPhen-2, MutationTaster2, CADD, Varsome etc. predicted this variant to be likely deleterious. The variant is located in a mutational hotspot region of the gene and alternate variants in the same amino acid position (NM_000143.4:c.935T>G and NM_000143.4:c.934T>C) were previously identified and reported as pathogenic/likely pathogenic in similarly affected individuals.

Literature cited by the submitters: PubMed 30741757 (cited by Labcorp Genetics (formerly Invitae), Labcorp and Diagnostics Services (NGS), CSIR - Centre For Cellular And Molecular Biology); PubMed 9635293 (cited by Labcorp Genetics (formerly Invitae), Labcorp); PubMed 21398687 (cited by Labcorp Genetics (formerly Invitae), Labcorp and Diagnostics Services (NGS), CSIR - Centre For Cellular And Molecular Biology); PubMed 34994643 (cited by Diagnostics Services (NGS), CSIR - Centre For Cellular And Molecular Biology).